The following is an entry in ClinVar:

ClinVar aggregate classification (germline): Conflicting classifications of pathogenicity. Review status: criteria provided, conflicting classifications (1 of 4 stars). 2 submissions from 2 submitters: Uncertain significance (1); Likely benign (1). Last evaluated 2026-01-17.

Allele frequency attached by ClinVar (database versions not stated): ExAC 0.00003; gnomAD exomes 0.00003 and 0.00009; gnomAD 0.00005 and 0.00006; TOPMed 0.00006; ESP Exome Variant Server 0.00015.
gnomAD v4.1: 138 of 1,614,018 alleles (0.0086%); highest among the groups gnomAD compares: Non-Finnish European, 0.011%; no homozygotes.

Submissions (2):

Labcorp Genetics (formerly Invitae), Labcorp
Classification: Uncertain significance. Last evaluated: 2026-01-17. Review status: criteria provided, single submitter. Criteria: Invitae Variant Classification Sherloc (09022015). Collection method: clinical testing. Allele origin: germline.
Comment: This sequence change replaces leucine, which is neutral and non-polar, with phenylalanine, which is neutral and non-polar, at codon 205 of the CA4 protein (p.Leu205Phe). This variant is present in population databases (rs142186287, gnomAD 0.007%). This missense change has been observed in individual(s) with inherited retinal dystrophy (internal data). ClinVar contains an entry for this variant (Variation ID: 1490515). Invitae Evidence Modeling of protein sequence and biophysical properties (such as structural, functional, and spatial information, amino acid conservation, physicochemical variation, residue mobility, and thermodynamic stability) indicates that this missense variant is not expected to disrupt CA4 protein function with a negative predictive value of 80%. In summary, the available evidence is currently insufficient to determine the role of this variant in disease. Therefore, it has been classified as a Variant of Uncertain Significance.

Blueprint Genetics
Classification: Likely benign. Last evaluated: 2023-11-15. Review status: criteria provided, single submitter. Criteria: ACMG Guidelines, 2015. Collection method: clinical testing. Allele origin: germline.

NM_000717.5(CA4):c.615G>C (p.Leu205Phe)

Gene: CA4 (carbonic anhydrase 4; plus strand). Cytogenetic location: 17q23.1.
Variant type: single nucleotide variant.
Coding change: c.615G>C on transcript NM_000717.5 (MANE Select); coding-DNA position 615, G replaced by C.
Protein change: p.Leu205Phe; replaces leucine 205 with phenylalanine.
Molecular consequence: missense variant. On other transcripts: non-coding transcript variant (1).
Genome position (GRCh38, 1-based): chr17:60,158,317, G>C. VCF-style: chr17-60158317-G-C. GRCh37 (hg19) VCF-style: chr17-58235678-G-C.
Other names: short protein forms L205F.
Identifiers: ClinVar variation 1490515 (VCV001490515.7), dbSNP rs142186287, ClinGen allele CA8685469.